The following is an entry in ClinVar:

ClinVar aggregate classification (germline): Uncertain significance (1 of 4 stars; one submission).

Conditions:
Anterior segment dysgenesis 7 (ASGD7). Also called: SCLEROCORNEA WITH OTHER OCULAR ANOMALIES; Anterior segment dysgenesis 7, with sclerocornea. Identifiers: Orphanet 289499, MedGen C3151617, MONDO:0010015, OMIM 269400.

Submission:

Labcorp Genetics (formerly Invitae), Labcorp
Classification: Uncertain significance for Anterior segment dysgenesis 7. Last evaluated: 2025-06-15. Review status: criteria provided, single submitter. Criteria: Invitae Variant Classification Sherloc (09022015). Collection method: clinical testing. Allele origin: germline.
Comment: This variant, c.3671_3679del, results in the deletion of 3 amino acid(s) of the PXDN protein (p.Pro1224_Ser1226del), but otherwise preserves the integrity of the reading frame. This variant is not present in population databases (gnomAD no frequency). This variant has not been reported in the literature in individuals affected with PXDN-related conditions. Experimental studies and prediction algorithms are not available or were not evaluated, and the functional significance of this variant is currently unknown. In summary, the available evidence is currently insufficient to determine the role of this variant in disease. Therefore, it has been classified as a Variant of Uncertain Significance.

NM_012293.3(PXDN):c.3671_3679del (p.Pro1224_Ser1226del)

Gene: PXDN (peroxidasin; minus strand). Cytogenetic location: 2p25.3.
Variant type: Deletion.
Coding change: c.3671_3679del on transcript NM_012293.3 (MANE Select); coding-DNA positions 3671 to 3679, 9 bases deleted (CTGGCAGCC; older notation c.3671_3679delCTGGCAGCC).
Protein change: p.Pro1224_Ser1226del.
Molecular consequence: inframe deletion.
Genome position (GRCh38, 1-based): chr2:1,644,682-1,644,690, GGCTGCCAG deleted on the plus strand (CTGGCAGCC on the coding strand, the reverse complement: PXDN is on the minus strand); deleting any 9 consecutive bases within chr2:1,644,682-1,644,691 gives the same sequence; the c. name uses the placement nearest the transcript's 3' end. VCF-style (leftmost placement, unchanged base first): chr2-1644681-CGGCTGCCAG-C. GRCh37 (hg19) VCF-style: chr2-1648453-CGGCTGCCAG-C.
Identifiers: ClinVar variation 4720429 (VCV004720429.1).